The following is an entry in ClinVar:

ClinVar aggregate classification (germline): Uncertain significance. Review status: criteria provided, multiple submitters, no conflicts (2 of 4 stars). 3 submissions from 3 submitters: Uncertain significance (3). Last evaluated 2025-09-10.

Conditions:
Congenital contractural arachnodactyly (CCA). Also called: BEALS SYNDROME; Beals-Hecht syndrome; Arthrogryposis, distal, type 9. Identifiers: Orphanet 115, MedGen C0220668, MONDO:0007363, OMIM 121050.
Familial thoracic aortic aneurysm and aortic dissection (TAAD). Also called: Thoracic aortic aneurysms and dissections. Identifiers: Orphanet 91387, MedGen C4707243, MONDO:0019625.

Allele frequency attached by ClinVar (database versions not stated): gnomAD exomes below 0.00001.
gnomAD v4.1: 3 of 1,614,178 alleles (0.00019%); highest among the groups gnomAD compares: Non-Finnish European, 0.00017%; no homozygotes.

Submissions (3):

Labcorp Genetics (formerly Invitae), Labcorp
Classification: Uncertain significance for Congenital contractural arachnodactyly. Last evaluated: 2025-09-10. Review status: criteria provided, single submitter. Criteria: Invitae Variant Classification Sherloc (09022015). Collection method: clinical testing. Allele origin: germline.
Comment: This sequence change replaces leucine, which is neutral and non-polar, with valine, which is neutral and non-polar, at codon 900 of the FBN2 protein (p.Leu900Val). This variant is not present in population databases (gnomAD no frequency). This variant has not been reported in the literature in individuals affected with FBN2-related conditions. ClinVar contains an entry for this variant (Variation ID: 907118). Invitae Evidence Modeling of protein sequence and biophysical properties (such as structural, functional, and spatial information, amino acid conservation, physicochemical variation, residue mobility, and thermodynamic stability) has been performed for this missense variant. However, the output from this modeling did not meet the statistical confidence thresholds required to predict the impact of this variant on FBN2 protein function. In summary, the available evidence is currently insufficient to determine the role of this variant in disease. Therefore, it has been classified as a Variant of Uncertain Significance.

Ambry Genetics
Classification: Uncertain significance for Familial thoracic aortic aneurysm and aortic dissection. Last evaluated: 2022-04-18. Review status: criteria provided, single submitter. Criteria: Ambry Variant Classification Scheme 2023. Collection method: clinical testing. Allele origin: germline.
Comment: The p.L900V variant (also known as c.2698C>G), located in coding exon 21 of the FBN2 gene, results from a C to G substitution at nucleotide position 2698. The leucine at codon 900 is replaced by valine, an amino acid with highly similar properties. This amino acid position is highly conserved in available vertebrate species. In addition, the in silico prediction for this alteration is inconclusive. Since supporting evidence is limited at this time, the clinical significance of this alteration remains unclear.

Illumina Laboratory Services, Illumina
Classification: Uncertain significance for Congenital contractural arachnodactyly. Last evaluated: 2018-01-13. Review status: criteria provided, single submitter. Criteria: ICSL Variant Classification Criteria 13 December 2019. Collection method: clinical testing. Allele origin: germline.

NM_001999.4(FBN2):c.2698C>G (p.Leu900Val)

Gene: FBN2 (fibrillin 2; minus strand). Cytogenetic location: 5q23.3.
Variant type: single nucleotide variant.
Coding change: c.2698C>G on transcript NM_001999.4 (MANE Select); coding-DNA position 2698, C replaced by G.
Protein change: p.Leu900Val; replaces leucine 900 with valine.
Molecular consequence: missense variant.
Genome position (GRCh38, 1-based): chr5:128,350,982, G>C on the plus strand (C>G on the coding strand, the complement: FBN2 is on the minus strand). VCF-style: chr5-128350982-G-C. GRCh37 (hg19) VCF-style: chr5-127686674-G-C.
Other names: short protein forms L900V.
Identifiers: ClinVar variation 907118 (VCV000907118.7), dbSNP rs1057524854, ClinGen allele CA360766467.
Genomic context (GRCh38, chr5:128,350,982, plus strand): 5'-ATTCAGATTTCAGAGTGGCTCCATTAATATTCACCTCACAGCGGCTGTCCTGGATGTTGA[G>C]CCAACAGGTCCCCTTCAGGCTGTCTGAAAAGGAACAGGAAAGGTTGGGGAGCTCTTACCT-3'
Protein context (NP_001990.2, residues 890-910): CIDSLKGTCW[Leu900Val]NIQDSRCEVN